The following is an entry in ClinVar:

NM_003742.4(ABCB11):c.677C>T (p.Ser226Leu)

Gene: ABCB11 (ATP binding cassette subfamily B member 11; minus strand). Cytogenetic location: 2q31.1.
Variant type: single nucleotide variant.
Coding change: c.677C>T on transcript NM_003742.4 (MANE Select); coding-DNA position 677, C replaced by T.
Protein change: p.Ser226Leu; replaces serine 226 with leucine.
Molecular consequence: missense variant.
Genome position (GRCh38, 1-based): chr2:168,993,817, G>A on the plus strand (C>T on the coding strand, the complement: ABCB11 is on the minus strand). VCF-style: chr2-168993817-G-A. GRCh37 (hg19) VCF-style: chr2-169850327-G-A.
Other names: NM_003742.4(ABCB11):c.677C>T; p.Ser226Leu; c.677C>T (NM_003742.2); short protein forms S226L.
Identifiers: ClinVar variation 1446326 (VCV001446326.17), dbSNP rs1382100120, ClinGen allele CA501084.

ClinVar aggregate classification (germline): Conflicting classifications of pathogenicity. Review status: criteria provided, conflicting classifications (1 of 4 stars). 10 submissions from 10 submitters: Pathogenic (2); Likely pathogenic (4); Uncertain significance (3). 1 of the submissions does not count toward it. Last evaluated 2026-04-14.

Conditions:
Benign recurrent intrahepatic cholestasis type 2 (BRIC2). Also called: Recurrent familial intrahepatic cholestasis 2. Identifiers: Orphanet 65682, Orphanet 99961, MedGen C2608083, MONDO:0011559, OMIM 605479.
Progressive familial intrahepatic cholestasis type 2. Identifiers: Orphanet 79304, MedGen C3489789, MONDO:0011156, OMIM 601847.
ABCB11-related disorder. Also called: ABCB11-related condition.
Familial intrahepatic cholestasis. Identifiers: Orphanet 284385, MedGen CN296401, MONDO:0017290.
Progressive familial intrahepatic cholestasis (PFIC). Also called: Progressive family intrahepatic cholestasis; Progressive intrahepatic cholestasis. Identifiers: Orphanet 172, MedGen C0268312, MONDO:0015762.

Allele frequency attached by ClinVar (database versions not stated): gnomAD exomes below 0.00001 and 0.00001.
gnomAD v4.1: 8 of 1,611,554 alleles (0.0005%); highest among the groups gnomAD compares: East Asian, 0.0022%; no homozygotes.

Submissions (10):

Genomenon, Inc
Classification: Likely pathogenic for Familial intrahepatic cholestasis. Last evaluated: 2026-04-14. Review status: criteria provided, single submitter. Criteria: Genomenon Sequence Variant Interpretation Standards - Updated. Collection method: curation. Allele origin: germline. Affected: yes.
Comment: ABCB11 p.Ser226Leu (c.677C>T) is a missense variant that changes the amino acid at residue 226 from Serine to Leucine. This variant has been observed in at least one proband with an ABCB11-related disorder (PMID:37471416;35780807;32808743;27239116;20414253;20232290;26382629). The variant was found to segregate with disease in at least one affected family (PMID:20414253). It is absent or not present at a significant frequency in gnomAD. In silico models predict that this variant is possibly or probably damaging. In conclusion, we classify ABCB11 p.Ser226Leu (c.677C>T) as a likely pathogenic variant.

Natera, Inc.
Classification: Likely pathogenic for Progressive familial intrahepatic cholestasis type 2. Last evaluated: 2025-12-15. Review status: criteria provided, single submitter. Criteria: Natera Variant Classification Schema (03/2026). Collection method: clinical testing. Allele origin: germline.
Comment: The c.677C>T variant in ABCB11 is a missense variant predicted to cause substitution of serine to leucine at amino acid 226. This variant is rare in the general population with a frequency below the threshold expected for the associated phenotype(s). This variant has been observed in one or more individuals affected with the associated recessive disease, as either homozygous or compound heterozygous with a second variant (PMID: 20232290, 35626323, 37305718, 32808743, 37471416). Computational prediction algorithms indicate this variant is likely to affect gene or protein function. Given the available evidence, this variant is classified as Likely Pathogenic.

Broad Center for Mendelian Genomics, Broad Institute of MIT and Harvard
Classification: Uncertain significance for Progressive familial intrahepatic cholestasis type 2. Last evaluated: 2025-01-30. Review status: criteria provided, single submitter. Criteria: ACMG Guidelines, 2015. Collection method: curation. Allele origin: germline. Inheritance: Autosomal recessive inheritance.
Comment: The p.Ser226Leu variant in ABCB11 has been reported in five individuals with BSEP deficiency (PMID: 20232290, 20414253, 26382629, 27239116, 32808743), and has been identified in 0.002% (1/44698) of East Asian chromosomes by the Genome Aggregation Database (gnomAD; dbSNP rs1382100120). Although this variant has been seen in the general population in a heterozygous state, its frequency is low enough to be consistent with a recessive carrier frequency. This variant has also been reported in ClinVar (Variation ID: 1446326) and has been interpreted as pathogenic by Invitae, likely pathogenic by 3billion, and as a variant of uncertain significance by PerkinElmer Genomics. Of the five affected individuals, two were compound heterozygotes that carried a variant of uncertain significance in trans and one was a homozygote, which increases the likelihood that the p.Ser226Leu variant is pathogenic (PMID: 20232290, 20414253, 26382629). Computational prediction tools and conservation analyses suggest that this variant may impact the protein, though this information is not predictive enough to determine pathogenicity. In summary, the clinical significance of the p.Ser226Leu variant is uncertain. ACMG/AMP Criteria applied: PP3, PM3, PM2_supporting (Richards 2015).

Genomic Medicine Center of Excellence, King Faisal Specialist Hospital and Research Centre
Classification: Uncertain significance for Progressive familial intrahepatic cholestasis type 2. Last evaluated: 2024-03-14. Review status: criteria provided, single submitter. Criteria: ACMG Guidelines, 2015. Collection method: research. Allele origin: germline.

Revvity Omics, Revvity
Classification: Uncertain significance. Last evaluated: 2024-02-02. Review status: criteria provided, single submitter. Criteria: ACMG Guidelines, 2015. Collection method: clinical testing. Allele origin: germline.

Labcorp Genetics (formerly Invitae), Labcorp
Classification: Pathogenic. Last evaluated: 2023-12-19. Review status: criteria provided, single submitter. Criteria: Invitae Variant Classification Sherloc (09022015). Collection method: clinical testing. Allele origin: germline.
Comment: This sequence change replaces serine, which is neutral and polar, with leucine, which is neutral and non-polar, at codon 226 of the ABCB11 protein (p.Ser226Leu). This variant is present in population databases (no rsID available, gnomAD 0.006%). This missense change has been observed in individuals with progressive familial intrahepatic cholestasis (PMID: 20232290, 20414253, 21404481, 27239116). It has also been observed to segregate with disease in related individuals. ClinVar contains an entry for this variant (Variation ID: 1446326). Advanced modeling of protein sequence and biophysical properties (such as structural, functional, and spatial information, amino acid conservation, physicochemical variation, residue mobility, and thermodynamic stability) performed at Invitae indicates that this missense variant is not expected to disrupt ABCB11 protein function with a negative predictive value of 95%. For these reasons, this variant has been classified as Pathogenic.

Women's Health and Genetics/Laboratory Corporation of America, LabCorp
Classification: Pathogenic for Progressive familial intrahepatic cholestasis. Last evaluated: 2023-10-04. Review status: criteria provided, single submitter. Criteria: LabCorp Variant Classification Summary - May 2015. Collection method: clinical testing. Allele origin: germline.
Comment: Variant summary: ABCB11 c.677C>T (p.Ser226Leu) results in a non-conservative amino acid change located in the ABC transporter type 1, transmembrane domain (IPR011527) of the encoded protein sequence. Three of five in-silico tools predict a damaging effect of the variant on protein function. The variant allele was found at a frequency of 4.1e-06 in 246750 control chromosomes (gnomAD). c.677C>T has been reported in the literature in multiple individuals affected with Familial Intrahepatic Cholestasis (Davit-Spraul_2010, Shapiro_2010, Li_2020). These data indicate that the variant is very likely to be associated with disease. The following publications have been ascertained in the context of this evaluation (PMID: 20232290, 20414253, 32808743). Three submitters have cited clinical-significance assessments for this variant to ClinVar after 2014, and classified it as pathogenic/likely pathogenic (n=2) or uncertain significance (n=1). Based on the evidence outlined above, the variant was classified as pathogenic.

Baylor Genetics
Classification: Likely pathogenic for Benign recurrent intrahepatic cholestasis type 2. Last evaluated: 2023-04-04. Review status: criteria provided, single submitter. Criteria: ACMG Guidelines, 2015. Collection method: clinical testing. Allele origin: unknown.

3billion
Classification: Likely pathogenic for Progressive familial intrahepatic cholestasis type 2. Last evaluated: 2023-02-23. Review status: criteria provided, single submitter. Criteria: ACMG Guidelines, 2015. Collection method: clinical testing. Allele origin: unknown. Affected: yes.
Comment: The variant is observed at an extremely low frequency in the gnomAD v2.1.1 dataset (total allele frequency: <0.001%). In silico tool predictions suggest damaging effect of the variant on gene or gene product (REVEL: 0.65). Same nucleotide change resulting in same amino acid change has been previously reported as pathogenic/likely pathogenic with strong evidence (PMID: VCV001446326). The variant has been reported to be in trans with a pathogenic variant as either compound heterozygous or homozygous in at least one similarly affected unrelated individual (PMID: 20232290). Therefore, this variant is classified as Likely pathogenic according to the recommendation of ACMG/AMP guideline.

PreventionGenetics, part of Exact Sciences
Classification: Likely pathogenic for ABCB11-related condition. Last evaluated: 2024-06-10. Review status: no assertion criteria provided. Collection method: clinical testing. Allele origin: germline. Not counted in ClinVar's aggregate classification.
Comment: The ABCB11 c.677C>T variant is predicted to result in the amino acid substitution p.Ser226Leu. This variant was reported in the homozygous or compound heterozygous state in multiple individuals with progressive familial intrahepatic cholestasis (Davit-Spraul et al. 2010. PubMed ID: 20232290; Li et al. 2020. PubMed ID: 32808743; Park et al. 2016. PubMed ID: 27239116; Table S3B, Neřoldová et al. 2023. PubMed ID: 37471416). This variant was also described, along with a second heterozygous variant, in two siblings with cholestasis (Shapiro et al. 2010. PubMed ID: 20414253). This variant is reported in 0.0056% of alleles in individuals of East Asian descent in gnomAD. In summary, we classify this variant as likely pathogenic.

Literature cited by the submitters: PubMed 37471416 (cited by Genomenon, Inc and Natera, Inc.); PubMed 35780807 (cited by Genomenon, Inc); PubMed 32808743 (cited by 3 submitters); PubMed 27239116 (cited by Genomenon, Inc and Labcorp Genetics (formerly Invitae), Labcorp); PubMed 20414253 (cited by 3 submitters); PubMed 20232290 (cited by 5 submitters); PubMed 26382629 (cited by Genomenon, Inc); PubMed 35626323 (cited by Natera, Inc.); PubMed 37305718 (cited by Natera, Inc.); PubMed 21404481 (cited by Labcorp Genetics (formerly Invitae), Labcorp).